The following is an entry in ClinVar:

NM_012282.4(KCNE5):c.100C>T (p.Arg34Cys)

Gene: KCNE5 (potassium voltage-gated channel subfamily E regulatory subunit 5; minus strand). Cytogenetic location: Xq23.
Variant type: single nucleotide variant.
Coding change: c.100C>T on transcript NM_012282.4 (MANE Select); coding-DNA position 100, C replaced by T.
Protein change: p.Arg34Cys; replaces arginine 34 with cysteine.
Molecular consequence: missense variant.
Genome position (GRCh38, 1-based): chrX:109,624,921, G>A on the plus strand (C>T on the coding strand, the complement: KCNE5 is on the minus strand). VCF-style: chrX-109624921-G-A. GRCh37 (hg19) VCF-style: chrX-108868150-G-A.
Other names: short protein forms R34C.
Identifiers: ClinVar variation 2419287 (VCV002419287.6), dbSNP rs377062108, ClinGen allele CA10490884.

ClinVar aggregate classification (germline): Uncertain significance (1 of 4 stars; one submission).

Conditions:
Brugada syndrome. Also called: Sudden unexplained nocturnal death syndrome; Sudden unexpected nocturnal death syndrome; Sudden Unexplained Death Syndrome; Sudden Unexplained Nocturnal Death Syndrome (SUNDS). Identifiers: Orphanet 130, MedGen C1142166, MONDO:0015263.

Allele frequency attached by ClinVar (database versions not stated): gnomAD 0.00004; gnomAD exomes 0.00004; ESP Exome Variant Server 0.00010; ExAC 0.00012.
gnomAD v4.1: 50 of 1,194,859 alleles (0.0042%); highest among the groups gnomAD compares: East Asian, 0.13%; no homozygotes.

Submission:

Labcorp Genetics (formerly Invitae), Labcorp
Classification: Uncertain significance for Brugada syndrome. Last evaluated: 2024-07-23. Review status: criteria provided, single submitter. Criteria: Invitae Variant Classification Sherloc (09022015). Collection method: clinical testing. Allele origin: germline.
Comment: This sequence change replaces arginine, which is basic and polar, with cysteine, which is neutral and slightly polar, at codon 34 of the KCNE5 protein (p.Arg34Cys). This variant is present in population databases (rs377062108, gnomAD 0.08%), and has an allele count higher than expected for a pathogenic variant. This variant has not been reported in the literature in individuals affected with KCNE5-related conditions. ClinVar contains an entry for this variant (Variation ID: 2419287). An algorithm developed to predict the effect of missense changes on protein structure and function (PolyPhen-2) suggests that this variant is likely to be tolerated. In summary, the available evidence is currently insufficient to determine the role of this variant in disease. Therefore, it has been classified as a Variant of Uncertain Significance.